The following is an entry in ClinVar:

NC_000013.10:g.(?_23667335)_(23894909_?)dup

Gene: SGCG (sarcoglycan gamma; plus strand). Cytogenetic location: 13q12.12.
Variant type: Duplication.
Identifiers: ClinVar variation 1035222 (VCV001035222.2).

ClinVar aggregate classification (germline): Uncertain significance (1 of 4 stars; one submission).

Conditions:
Autosomal recessive limb-girdle muscular dystrophy type 2C (LGMDR5). Also called: MUSCULAR DYSTROPHY, DUCHENNE-LIKE; MUSCULAR DYSTROPHY, LIMB-GIRDLE, AUTOSOMAL RECESSIVE 5. Identifiers: Orphanet 353, MedGen C0410173, MONDO:0009677, OMIM 253700. Disease mechanism: Affects gamma-sarcoglycan and also disrupts the integrity of the entire sarcoglycan complex..

Submission:

Labcorp Genetics (formerly Invitae), Labcorp
Classification: Uncertain significance for Autosomal recessive limb-girdle muscular dystrophy type 2C. Last evaluated: 2020-02-02. Review status: criteria provided, single submitter. Criteria: Invitae Variant Classification Sherloc (09022015). Collection method: clinical testing. Allele origin: germline.
Comment: This variant results in a copy number gain of the genomic region encompassing exons 1-7 of the SGCG gene, which includes the initiator codon. The 5' end of this event is unknown as it extends beyond the assayed region for this gene and therefore may encompass additional genes. The 3' boundary is likely confined to intron 7 of the SGCG gene. As the precise location of this event is unknown, it may be in tandem or it may be located elsewhere in the genome. This variant has not been reported in the literature in individuals with SGCG-related conditions. In summary, the available evidence is currently insufficient to determine the role of this variant in disease. Therefore, it has been classified as a Variant of Uncertain Significance.